The following is an entry in ClinVar:

NM_006270.5(RRAS):c.259C>G (p.Gln87Glu)

Gene: RRAS (RAS related; minus strand). Cytogenetic location: 19q13.33.
Variant type: single nucleotide variant.
Coding change: c.259C>G on transcript NM_006270.5 (MANE Select); coding-DNA position 259, C replaced by G.
Protein change: p.Gln87Glu; replaces glutamine 87 with glutamic acid.
Molecular consequence: missense variant.
Genome position (GRCh38, 1-based): chr19:49,636,909, G>C on the plus strand (C>G on the coding strand, the complement: RRAS is on the minus strand). VCF-style: chr19-49636909-G-C. GRCh37 (hg19) VCF-style: chr19-50140166-G-C.
Other names: short protein forms Q87E.
Identifiers: ClinVar variation 2672155 (VCV002672155.1), dbSNP rs1274073568, ClinGen allele CA406847531.

ClinVar aggregate classification (germline): Uncertain significance (1 of 4 stars; one submission).

Allele frequency attached by ClinVar (database versions not stated): gnomAD 0.00001; TOPMed 0.00001.

Submission:

Clinical Genomics Laboratory, Washington University in St. Louis
Classification: Uncertain significance. Last evaluated: 2023-10-04. Review status: criteria provided, single submitter. Criteria: ACMG Guidelines, 2015. Collection method: clinical testing. Allele origin: germline.
Comment: The RRAS c.259C>G (p.Gln87Glu) variant, to our knowledge, has not been reported in the medical literature and is absent from the general population (gnomAD v.2.1.1), indicating it is not a common variant. This variant occurs in the Switch II domain, critical for GTP binding, that is considered a region across RASopathy genes that is enriched for pathogenic variation and depleted of variation in gnomAD (Perviewer; Pérez-Palma E et al., PMID: 31871067). This variant changes a polar glutamine to a negatively charged glutamic acid, and computational predictors indicate that the variant is damaging, evidence that correlates with impact to RRAS function. Another variant in this codon, RRAS p.Gln87Leu, was detected in the somatic sample of an individual with juvenile myelomonocytic leukemia but the variant was not detected in the germline (Flex E et al., PMID: 24705357). Variants in analogous resides in other RASopathy genes (RRAS2, MRAS) have been detected in individuals affected with Noonan syndrome and are considered pathogenic (Suzuki H et al., PMID: 31173466; Niihori T et al., PMID: 31130285). However, due to limited information, the clinical significance of this variant is uncertain.